The following is an entry in ClinVar:

ClinVar aggregate classification (germline): Uncertain significance (1 of 4 stars; one submission).

Submission:

Labcorp Genetics (formerly Invitae), Labcorp
Classification: Uncertain significance. Last evaluated: 2022-05-27. Review status: criteria provided, single submitter. Criteria: Invitae Variant Classification Sherloc (09022015). Collection method: clinical testing. Allele origin: germline.
Comment: In summary, the available evidence is currently insufficient to determine the role of this variant in disease. Therefore, it has been classified as a Variant of Uncertain Significance. Experimental studies and prediction algorithms are not available or were not evaluated, and the functional significance of this variant is currently unknown. This variant has not been reported in the literature in individuals affected with DEGS1-related conditions. This variant results in a copy number gain of the genomic region encompassing exon(s) 3 of the DEGS1 gene. This region includes the termination codon of the gene. This copy number gain extends beyond the assayed region for this gene and therefore may encompass additional genes. As the precise location of this event is unknown, it may be in tandem or it may be located elsewhere in the genome.

NC_000001.10:g.(?_224380014)_(224380180_?)dup

Gene: DEGS1 (delta 4-desaturase, sphingolipid 1; plus strand). Cytogenetic location: 1q42.11.
Variant type: Duplication.
Identifiers: ClinVar variation 1443531 (VCV001443531.5).